The following is an entry in ClinVar:

ClinVar aggregate classification (germline): Likely benign. Review status: criteria provided, multiple submitters, no conflicts (2 of 4 stars). 3 submissions from 3 submitters: Likely benign (3). Last evaluated 2023-06-08.

Conditions:
Familial thoracic aortic aneurysm and aortic dissection (TAAD). Also called: Thoracic aortic aneurysms and dissections. Identifiers: Orphanet 91387, MedGen C4707243, MONDO:0019625.

Allele frequency attached by ClinVar (database versions not stated): gnomAD exomes below 0.00001; gnomAD 0.00001 and 0.00003; TOPMed 0.00003.
gnomAD v4.1: 4 of 1,613,416 alleles (0.00025%); highest among the groups gnomAD compares: African/African-American, 0.0027%; no homozygotes.

Submissions (3):

All of Us Research Program, National Institutes of Health
Classification: Likely benign for Familial thoracic aortic aneurysm and aortic dissection. Last evaluated: 2023-06-08. Review status: criteria provided, single submitter. Criteria: ACMG Guidelines, 2015. Collection method: clinical testing. Allele origin: germline. Inheritance: Autosomal dominant inheritance. Observed: 1 variant allele, 1 heterozygote.
Comment: This study involves interpretation of variants in research participants for the purpose of population health screening. Participant phenotype was not available at the time of variant classification. Additional details can be found in publication PMID: 35346344, PMCID: PMC8962531

Color Diagnostics, LLC DBA Color Health
Classification: Likely benign for Familial thoracic aortic aneurysm and aortic dissection. Last evaluated: 2019-12-23. Review status: criteria provided, single submitter. Criteria: ACMG Guidelines, 2015. Collection method: clinical testing. Allele origin: germline.

Ambry Genetics
Classification: Likely benign for Familial thoracic aortic aneurysm and aortic dissection. Last evaluated: 2017-08-10. Review status: criteria provided, single submitter. Criteria: Ambry Variant Classification Scheme 2023. Collection method: clinical testing. Allele origin: germline.

NM_002474.3(MYH11):c.3750G>A (p.Val1250=)

Gene: MYH11 (myosin heavy chain 11; minus strand). Cytogenetic location: 16p13.11.
Variant type: single nucleotide variant.
Coding change: c.3750G>A on transcript NM_002474.3 (MANE Select); coding-DNA position 3750, G replaced by A.
Protein change: p.Val1250=; no amino-acid change (valine 1250 retained).
Molecular consequence: synonymous variant.
Genome position (GRCh38, 1-based): chr16:15,726,956, C>T on the plus strand (G>A on the coding strand, the complement: MYH11 is on the minus strand). VCF-style: chr16-15726956-C-T. GRCh37 (hg19) VCF-style: chr16-15820813-C-T.
Other names: c.3771G>A, p.Val1257= (NM_001040113.2, NM_001040114.2); c.3750G>A, p.Val1250= (NM_022844.3).
Identifiers: ClinVar variation 519958 (VCV000519958.8), dbSNP rs1340745721, ClinGen allele CA493765967.